The following is an entry in ClinVar:

NM_130837.3(OPA1):c.2874T>C (p.Val958=)

Gene: OPA1 (OPA1 mitochondrial dynamin like GTPase; plus strand). Cytogenetic location: 3q29.
Variant type: single nucleotide variant.
Coding change: c.2874T>C on transcript NM_130837.3 (MANE Select); coding-DNA position 2874, T replaced by C.
Protein change: p.Val958=; no amino-acid change (valine 958 retained).
Molecular consequence: synonymous variant.
Genome position (GRCh38, 1-based): chr3:193,667,171, T>C. VCF-style: chr3-193667171-T-C. GRCh37 (hg19) VCF-style: chr3-193384960-T-C.
Other names: c.2340T>C, p.Val780= (NM_001354663.2); c.2337T>C, p.Val779= (NM_001354664.2); c.2709T>C, p.Val903= (NM_015560.3); c.2601T>C, p.Val867= (NM_130831.3); c.2655T>C, p.Val885= (NM_130832.3); c.2712T>C, p.Val904= (NM_130833.3); c.2763T>C, p.Val921= (NM_130834.3); c.2766T>C, p.Val922= (NM_130835.3); and 1 more.
Identifiers: ClinVar variation 1647856 (VCV001647856.11), dbSNP rs773500478, ClinGen allele CA2759777.

ClinVar aggregate classification (germline): Likely benign. Review status: criteria provided, multiple submitters, no conflicts (2 of 4 stars). 3 submissions from 3 submitters: Likely benign (3). Last evaluated 2025-10-27.

Allele frequency attached by ClinVar (database versions not stated): ExAC 0.00001; gnomAD exomes 0.00001 and 0.00003; gnomAD 0.00003 and 0.00004; TOPMed 0.00005.
gnomAD v4.1: 22 of 1,492,042 alleles (0.0015%); highest among the groups gnomAD compares: Admixed American, 0.0084%; no homozygotes.

Submissions (3):

Labcorp Genetics (formerly Invitae), Labcorp
Classification: Likely benign. Last evaluated: 2025-10-27. Review status: criteria provided, single submitter. Criteria: Invitae Variant Classification Sherloc (09022015). Collection method: clinical testing. Allele origin: germline.

Blueprint Genetics
Classification: Likely benign. Last evaluated: 2024-08-20. Review status: criteria provided, single submitter. Criteria: ACMG Guidelines, 2015. Collection method: clinical testing. Allele origin: germline.

Women's Health and Genetics/Laboratory Corporation of America, LabCorp
Classification: Likely benign. Last evaluated: 2024-02-19. Review status: criteria provided, single submitter. Criteria: LabCorp Variant Classification Summary - May 2015. Collection method: clinical testing. Allele origin: germline.
Comment: Variant summary: OPA1 c.2709T>C (p.Val903Val) alters a non-conserved nucleotide located close to a canonical splice site and therefore could affect mRNA splicing, leading to a significantly altered protein sequence. Consensus agreement among computation tools predict no significant impact on normal splicing. However, these predictions have yet to be confirmed by functional studies. The variant allele was found at a frequency of 1.5e-05 (i.e. in 22 carriers) in 1485292 control chromosomes (gnomAD v4.0). The occurrence in several carriers suggests that this variant is likely not associated with a high penetrance, severe, early disease onset phenotype in heterozygous state. To our knowledge, no occurrence of c.2709T>C in individuals affected with OPA1-Related Disorders and no experimental evidence demonstrating its impact on protein function have been reported. ClinVar contains an entry for this variant (Variation ID: 1647856). Based on the evidence outlined above, the variant was classified as likely benign.